The following is an entry in ClinVar:

NM_000551.4(VHL):c.341-6C>G

Genes: VHL (von Hippel-Lindau tumor suppressor; plus strand), LOC107303340 (3p25 von Hippel-Lindau tumor suppressor, E3 ubiquitin protein ligase Alu-mediated recombination region; plus strand). Cytogenetic location: 3p25.3.
Variant type: single nucleotide variant.
Coding change: c.341-6C>G on transcript NM_000551.4 (MANE Select); 6 bases into the intron before coding-DNA position 341, C replaced by G.
Molecular consequence: intron variant.
Genome position (GRCh38, 1-based): chr3:10,146,508, C>G. VCF-style: chr3-10146508-C-G. GRCh37 (hg19) VCF-style: chr3-10188192-C-G.
Other names: c.*18-3279C>G (NM_001354723.2); c.341-3279C>G (NM_198156.3).
Identifiers: ClinVar variation 647733 (VCV000647733.11), dbSNP rs191201783, ClinGen allele CA915941843.
Genomic context (GRCh38, chr3:10,146,508, plus strand): 5'-ACAGGTGTGGGCCACCGTGCCCAGCCACCGGTGTGGCTCTTTAACAACCTTTGCTTGTCC[C>G]GATAGGTCACCTTTGGCTCTTCAGAGATGCAGGGACACACGATGGGCTTCTGGTTAACCA-3'

ClinVar aggregate classification (germline): Uncertain significance. Review status: criteria provided, multiple submitters, no conflicts (2 of 4 stars). 2 submissions from 2 submitters: Uncertain significance (2). Last evaluated 2023-03-30.

Conditions:
Chuvash polycythemia. Also called: POLYCYTHEMIA, VHL-DEPENDENT. Identifiers: Orphanet 238557, MedGen C1837915, MONDO:0009892, OMIM 263400.
Von Hippel-Lindau syndrome (VHLS). Also called: Von Hippel-Lindau; VHL syndrome; von Hippel–Lindau syndrome. Identifiers: Orphanet 892, MedGen C0019562, MONDO:0008667, OMIM 193300. Disease mechanism: loss of function.

Submissions (2):

Labcorp Genetics (formerly Invitae), Labcorp
Classification: Uncertain significance for Von Hippel-Lindau syndrome; Chuvash polycythemia. Last evaluated: 2023-03-30. Review status: criteria provided, single submitter. Criteria: Invitae Variant Classification Sherloc (09022015). Collection method: clinical testing. Allele origin: germline.
Comment: ClinVar contains an entry for this variant (Variation ID: 647733). In summary, the available evidence is currently insufficient to determine the role of this variant in disease. Therefore, it has been classified as a Variant of Uncertain Significance. Algorithms developed to predict the effect of sequence changes on RNA splicing suggest that this variant may disrupt the consensus splice site. This variant has not been reported in the literature in individuals affected with VHL-related conditions. This variant is not present in population databases (gnomAD no frequency). This sequence change falls in intron 1 of the VHL gene. It does not directly change the encoded amino acid sequence of the VHL protein.

Laboratorio de Genetica e Diagnostico Molecular, Hospital Israelita Albert Einstein
Classification: Uncertain significance for Chuvash polycythemia. Last evaluated: 2022-01-06. Review status: criteria provided, single submitter. Criteria: ACMG Guidelines, 2015. Collection method: clinical testing. Allele origin: germline. Affected: yes.
Comment: ACMG classification criteria: PM2 moderate